The following is an entry in ClinVar:

NM_181672.3(OGT):c.2696G>A (p.Arg899His)

Gene: OGT (O-linked N-acetylglucosamine (GlcNAc) transferase; plus strand). Cytogenetic location: Xq13.1.
Variant type: single nucleotide variant.
Coding change: c.2696G>A on transcript NM_181672.3 (MANE Select); coding-DNA position 2696, G replaced by A.
Protein change: p.Arg899His; replaces arginine 899 with histidine.
Molecular consequence: missense variant.
Genome position (GRCh38, 1-based): chrX:71,567,606, G>A. VCF-style: chrX-71567606-G-A. GRCh37 (hg19) VCF-style: chrX-70787456-G-A.
Other names: c.2666G>A, p.Arg889His (NM_181673.3); short protein forms R889H, R899H.
Identifiers: ClinVar variation 2062308 (VCV002062308.5), dbSNP rs773673612, ClinGen allele CA10447814.

ClinVar aggregate classification (germline): Uncertain significance. Review status: criteria provided, multiple submitters, no conflicts (2 of 4 stars). 2 submissions from 2 submitters: Uncertain significance (2). Last evaluated 2024-06-06.

Allele frequency attached by ClinVar (database versions not stated): gnomAD exomes below 0.00001; TOPMed below 0.00001; ExAC 0.00001.
gnomAD v4.1: 2 of 1,210,765 alleles (0.00017%); highest among the groups gnomAD compares: Non-Finnish European, 0.00022%; no homozygotes.

Submissions (2):

GeneDx
Classification: Uncertain significance. Last evaluated: 2024-06-06. Review status: criteria provided, single submitter. Criteria: GeneDx Variant Classification Process June 2021. Collection method: clinical testing. Allele origin: germline. Affected: yes.
Comment: In silico analysis supports that this missense variant has a deleterious effect on protein structure/function; Has not been previously published as pathogenic or benign to our knowledge

Labcorp Genetics (formerly Invitae), Labcorp
Classification: Uncertain significance. Last evaluated: 2021-12-27. Review status: criteria provided, single submitter. Criteria: Invitae Variant Classification Sherloc (09022015). Collection method: clinical testing. Allele origin: germline.
Comment: This sequence change replaces arginine, which is basic and polar, with histidine, which is basic and polar, at codon 899 of the OGT protein (p.Arg899His). In summary, the available evidence is currently insufficient to determine the role of this variant in disease. Therefore, it has been classified as a Variant of Uncertain Significance. Algorithms developed to predict the effect of missense changes on protein structure and function (SIFT, PolyPhen-2, Align-GVGD) all suggest that this variant is likely to be disruptive. This variant has not been reported in the literature in individuals affected with OGT-related conditions. The frequency data for this variant in the population databases is considered unreliable, as metrics indicate poor data quality at this position in the gnomAD database.